The following is an entry in ClinVar:

NM_005591.4(MRE11):c.745T>G (p.Cys249Gly)

Gene: MRE11 (MRE11 double strand break repair nuclease; minus strand). Cytogenetic location: 11q21.
Variant type: single nucleotide variant.
Coding change: c.745T>G on transcript NM_005591.4 (MANE Select); coding-DNA position 745, T replaced by G.
Protein change: p.Cys249Gly; replaces cysteine 249 with glycine.
Molecular consequence: missense variant.
Genome position (GRCh38, 1-based): chr11:94,471,674, A>C on the plus strand (T>G on the coding strand, the complement: MRE11 is on the minus strand). VCF-style: chr11-94471674-A-C. GRCh37 (hg19) VCF-style: chr11-94204840-A-C.
Other names: c.277T>G, p.Cys93Gly (NM_001440485.1, NM_001440486.1, NM_001440487.1); c.745T>G, p.Cys249Gly (NM_005590.4, NM_001330347.2, NM_001440460.1 and 18 more transcripts); c.670T>G, p.Cys224Gly (NM_001440471.1, NM_001440472.1, NM_001440479.1); c.400T>G, p.Cys134Gly (NM_001440482.1, NM_001440483.1, NM_001440484.1); short protein forms C224G, C134G, C249G, C93G.
Identifiers: ClinVar variation 4650877 (VCV004650877.1).

ClinVar aggregate classification (germline): Uncertain significance (1 of 4 stars; one submission).

Conditions:
Hereditary cancer-predisposing syndrome. Also called: Neoplastic Syndromes, Hereditary; Tumor predisposition; Hereditary Cancer Syndrome; Hereditary neoplastic syndrome. Identifiers: Orphanet 140162, MedGen C0027672, MeSH D009386, MONDO:0015356.

gnomAD v4.1: 1 of 1,612,780 alleles (0.000062%); highest among the groups gnomAD compares: Non-Finnish European, 0.000085%; no homozygotes.

Submission:

Ambry Genetics
Classification: Uncertain significance for Hereditary cancer-predisposing syndrome. Last evaluated: 2025-11-11. Review status: criteria provided, single submitter. Criteria: Ambry Variant Classification Scheme 2023. Collection method: clinical testing. Allele origin: germline.
Comment: The p.C249G variant (also known as c.745T>G), located in coding exon 7 of the MRE11A gene, results from a T to G substitution at nucleotide position 745. The cysteine at codon 249 is replaced by glycine, an amino acid with highly dissimilar properties. This amino acid position is conserved. In addition, this alteration is predicted to be deleterious by in silico analysis. Based on the available evidence, the clinical significance of this variant remains unclear.